The following is an entry in ClinVar:

NM_021098.3(CACNA1H):c.4476+3G>T

Gene: CACNA1H (calcium voltage-gated channel subunit alpha1 H; plus strand). Cytogenetic location: 16p13.3.
Variant type: single nucleotide variant.
Coding change: c.4476+3G>T on transcript NM_021098.3 (MANE Select); 3 bases into the intron after coding-DNA position 4476, G replaced by T.
Molecular consequence: intron variant.
Genome position (GRCh38, 1-based): chr16:1,211,609, G>T. VCF-style: chr16-1211609-G-T. GRCh37 (hg19) VCF-style: chr16-1261609-G-T.
Other names: c.4476+3G>T (NM_001005407.2).
Identifiers: ClinVar variation 3763704 (VCV003763704.2).

ClinVar aggregate classification (germline): Uncertain significance (1 of 4 stars; one submission).

Conditions:
Hyperaldosteronism, familial, type IV (HALD4). Also called: FH IV; ALDOSTERONISM, PRIMARY, AND HYPERTENSION. Identifiers: Orphanet 642671, MedGen C4310756, MONDO:0014875, OMIM 617027.
Idiopathic generalized epilepsy. Also called: Generalised epilepsy; EIG. Identifiers: MedGen C0270850, MONDO:0005579, OMIM 600669.

gnomAD v4.1: 48 of 1,609,358 alleles (0.003%); highest among the groups gnomAD compares: South Asian, 0.046%; no homozygotes.

Submission:

Labcorp Genetics (formerly Invitae), Labcorp
Classification: Uncertain significance for Idiopathic generalized epilepsy; Hyperaldosteronism, familial, type IV. Last evaluated: 2025-10-01. Review status: criteria provided, single submitter. Criteria: Invitae Variant Classification Sherloc (09022015). Collection method: clinical testing. Allele origin: germline.
Comment: This sequence change falls in intron 23 of the CACNA1H gene. It does not directly change the encoded amino acid sequence of the CACNA1H protein. It affects a nucleotide within the consensus splice site. This variant is present in population databases (rs534697226, gnomAD 0.05%), and has an allele count higher than expected for a pathogenic variant. This variant has not been reported in the literature in individuals affected with CACNA1H-related conditions. ClinVar contains an entry for this variant (Variation ID: 3763704). Variants that disrupt the consensus splice site are a relatively common cause of aberrant splicing (PMID: 17576681, 9536098). Algorithms developed to predict the effect of sequence changes on RNA splicing suggest that this variant is not likely to affect RNA splicing. In summary, the available evidence is currently insufficient to determine the role of this variant in disease. Therefore, it has been classified as a Variant of Uncertain Significance.

Literature cited by the submitters: PubMed 17576681; PubMed 9536098.